The following is an entry in ClinVar:

ClinVar aggregate classification (germline): Likely benign (1 of 4 stars; one submission).

Conditions:
GIGYF1-related disorder. Also called: GIGYF1-related condition.

gnomAD v4.1: 6 of 1,614,008 alleles (0.00037%); highest among the groups gnomAD compares: South Asian, 0.0011%; no homozygotes.

Submission:

PreventionGenetics, part of Exact Sciences
Classification: Likely benign for GIGYF1-related condition. Last evaluated: 2024-10-13. Review status: criteria provided, single submitter. Criteria: ACMG Guidelines, 2015. Collection method: clinical testing. Allele origin: germline.
Comment: This variant is classified as likely benign based on ACMG/AMP sequence variant interpretation guidelines (Richards et al. 2015 PMID: 25741868, with internal and published modifications).

NM_001375765.1(GIGYF1):c.1554C>T (p.Phe518=)

Gene: GIGYF1 (GRB10 interacting GYF protein 1; minus strand). Cytogenetic location: 7q22.1.
Variant type: single nucleotide variant.
Coding change: c.1554C>T on transcript NM_001375765.1 (MANE Select); coding-DNA position 1554, C replaced by T.
Protein change: p.Phe518=; no amino-acid change (phenylalanine 518 retained).
Molecular consequence: synonymous variant. On other transcripts: non-coding transcript variant (1).
Genome position (GRCh38, 1-based): chr7:100,684,525, G>A on the plus strand (C>T on the coding strand, the complement: GIGYF1 is on the minus strand). VCF-style: chr7-100684525-G-A. GRCh37 (hg19) VCF-style: chr7-100282148-G-A.
Other names: NM_022574.4:c.1554C>T; c.1554C>T, p.Phe518= (NM_001375759.1, NM_001375760.1, NM_001375761.1 and 6 more transcripts).
Identifiers: ClinVar variation 4987385 (VCV004987385.1).
Genomic context (GRCh38, chr7:100,684,525, plus strand): 5'-TGAGGGCCCTGGGGCAAAGGGCACGCGGCCCCACATCTTGATCACCTCGCCCAGCGGCTG[G>A]AAGCCCTCATCGCAGCCCCGCTTCACCAGCAGTGACATGGAAAAGTAGCCGGCCTGGAAC-3'
Protein context (NP_001362694.1, residues 508-528): LLVKRGCDEG[Phe518=]QPLGEVIKMW